The following is an entry in ClinVar:

NM_014049.5(ACAD9):c.368C>G (p.Thr123Ser)

Gene: ACAD9 (acyl-CoA dehydrogenase family member 9; plus strand). Cytogenetic location: 3q21.3.
Variant type: single nucleotide variant.
Coding change: c.368C>G on transcript NM_014049.5 (MANE Select); coding-DNA position 368, C replaced by G.
Protein change: p.Thr123Ser; replaces threonine 123 with serine.
Molecular consequence: missense variant. On other transcripts: 5 prime UTR variant (1), non-coding transcript variant (1).
Genome position (GRCh38, 1-based): chr3:128,895,331, C>G. VCF-style: chr3-128895331-C-G. GRCh37 (hg19) VCF-style: chr3-128614174-C-G.
Other names: c.-2C>G (NM_001410805.1); short protein forms T123S.
Identifiers: ClinVar variation 1974543 (VCV001974543.5), dbSNP rs1303296613, ClinGen allele CA354433061.

ClinVar aggregate classification (germline): Uncertain significance (1 of 4 stars; one submission).

Submission:

Labcorp Genetics (formerly Invitae), Labcorp
Classification: Uncertain significance. Last evaluated: 2022-06-12. Review status: criteria provided, single submitter. Criteria: Invitae Variant Classification Sherloc (09022015). Collection method: clinical testing. Allele origin: germline.
Comment: In summary, the available evidence is currently insufficient to determine the role of this variant in disease. Therefore, it has been classified as a Variant of Uncertain Significance. Advanced modeling of protein sequence and biophysical properties (such as structural, functional, and spatial information, amino acid conservation, physicochemical variation, residue mobility, and thermodynamic stability) performed at Invitae indicates that this missense variant is expected to disrupt ACAD9 protein function. This variant has not been reported in the literature in individuals affected with ACAD9-related conditions. This variant is not present in population databases (gnomAD no frequency). This sequence change replaces threonine, which is neutral and polar, with serine, which is neutral and polar, at codon 123 of the ACAD9 protein (p.Thr123Ser).